The following is an entry in ClinVar:

ClinVar aggregate classification (germline): Uncertain significance (1 of 4 stars; one submission).

Conditions:
Hereditary pancreatitis (PCTT). Also called: Hereditary chronic pancreatitis; PRSS1-Related Hereditary Pancreatitis. Identifiers: Orphanet 676, MedGen C0238339, MONDO:0008185, OMIM 167800.

gnomAD v4.1: 2 of 1,614,104 alleles (0.00012%); highest among the groups gnomAD compares: Admixed American, 0.0017%; no homozygotes.

Submission:

Ambry Genetics
Classification: Uncertain significance for Hereditary pancreatitis. Last evaluated: 2026-02-18. Review status: criteria provided, single submitter. Criteria: Ambry Variant Classification Scheme 2023. Collection method: clinical testing. Allele origin: germline.
Comment: The p.P155A variant (also known as c.463C>G), located in coding exon 4 of the PRSS1 gene, results from a C to G substitution at nucleotide position 463. The proline at codon 155 is replaced by alanine, an amino acid with highly similar properties. This amino acid position is conserved. In addition, the in silico prediction for this alteration is inconclusive. Based on the available evidence, the clinical significance of this variant remains unclear.

NM_002769.5(PRSS1):c.463C>G (p.Pro155Ala)

Genes: PRSS1 (serine protease 1; plus strand), TRB (T cell receptor beta locus; plus strand). Cytogenetic location: 7q34.
Variant type: single nucleotide variant.
Coding change: c.463C>G on transcript NM_002769.5 (MANE Select); coding-DNA position 463, C replaced by G.
Protein change: p.Pro155Ala; replaces proline 155 with alanine.
Molecular consequence: missense variant. On other transcripts: non-coding transcript variant (5).
Genome position (GRCh38, 1-based): chr7:142,752,439, C>G. VCF-style: chr7-142752439-C-G. GRCh37 (hg19) VCF-style: chr7-142460290-C-G.
Other names: short protein forms P155A.
Identifiers: ClinVar variation 4844409 (VCV004844409.1).